The following is an entry in ClinVar:

NM_003919.3(SGCE):c.1254-10T>C

Genes: CASD1 (CAS1 domain sialic acid O acetyltransferase 1; plus strand), SGCE (sarcoglycan epsilon; minus strand). Cytogenetic location: 7q21.3.
Variant type: single nucleotide variant.
Coding change: c.1254-10T>C on transcript NM_003919.3 (MANE Select); 10 bases into the intron before coding-DNA position 1254, T replaced by C.
Molecular consequence: intron variant.
Genome position (GRCh38, 1-based): chr7:94,588,742, A>G on the plus strand (T>C on the coding strand, the complement: SGCE is on the minus strand). VCF-style: chr7-94588742-A-G. GRCh37 (hg19) VCF-style: chr7-94218054-A-G.
Other names: c.1104-10T>C (NM_001362809.2); c.1131-10T>C (NM_001301139.2); c.1227-10T>C (NM_001346717.2, NM_001099400.2); c.1329-10T>C (NM_001099401.2); c.1335-10T>C (NM_001346715.2); c.1362-10T>C (NM_001346713.2); c.1140-10T>C (NM_001362807.2); c.954-10T>C (NM_001362808.2); and 2 more.
Identifiers: ClinVar variation 532797 (VCV000532797.16), dbSNP rs142854334, ClinGen allele CA4348579.

ClinVar aggregate classification (germline): Benign. Review status: criteria provided, multiple submitters, no conflicts (2 of 4 stars). 3 submissions from 3 submitters: Benign (2). 1 of the submissions does not count toward it. Last evaluated 2026-01-05.

Conditions:
SGCE-related disorder. Also called: SGCE-related condition.
Myoclonic dystonia 11 (DYT11). Also called: DYT-SGCE; Myoclonic dystonia; Dystonia 11; Dystonia, alcohol responsive; Hereditary essential myoclonus; SGCE Myoclonus-Dystonia. Identifiers: Orphanet 36899, MedGen C1834570, MONDO:0008044, OMIM 159900.

Allele frequency attached by ClinVar (database versions not stated): gnomAD exomes 0.00012 and 0.00035; 1000 Genomes Project 30x 0.00047; ExAC 0.00047; 1000 Genomes Project 0.00060; gnomAD 0.00129 and 0.00144; TOPMed 0.00158; ESP Exome Variant Server 0.00161.
gnomAD v4.1: 380 of 1,612,812 alleles (0.024%); highest among the groups gnomAD compares: African/African-American, 0.47%; 1 homozygote.

Submissions (3):

Labcorp Genetics (formerly Invitae), Labcorp
Classification: Benign for Myoclonic dystonia 11. Last evaluated: 2026-01-05. Review status: criteria provided, single submitter. Criteria: Invitae Variant Classification Sherloc (09022015). Collection method: clinical testing. Allele origin: germline.

GeneDx
Classification: Benign. Last evaluated: 2021-05-06. Review status: criteria provided, single submitter. Criteria: GeneDx Variant Classification Process June 2021. Collection method: clinical testing. Allele origin: germline. Affected: yes.

PreventionGenetics, part of Exact Sciences
Classification: Benign for SGCE-related condition. Last evaluated: 2019-10-16. Review status: no assertion criteria provided. Collection method: clinical testing. Allele origin: germline. Not counted in ClinVar's aggregate classification.
Comment: This variant is classified as benign based on ACMG/AMP sequence variant interpretation guidelines (Richards et al. 2015 PMID: 25741868, with internal and published modifications).